The following is an entry in ClinVar:

ClinVar aggregate classification (germline): Pathogenic (1 of 4 stars; one submission).

Conditions:
Neurofibromatosis, type 2 (SWNV). Also called: NF2-Related Schwannomatosis; BILATERAL ACOUSTIC NEUROFIBROMATOSIS; SCHWANNOMATOSIS, VESTIBULAR. Identifiers: Orphanet 637, MedGen C0027832, MONDO:0007039, OMIM 101000. Disease mechanism: loss of function.

Submissions (2):

Labcorp Genetics (formerly Invitae), Labcorp
Classification: Pathogenic for Neurofibromatosis, type 2. Last evaluated: 2022-09-07. Review status: criteria provided, single submitter. Criteria: Invitae Variant Classification Sherloc (09022015). Collection method: clinical testing. Allele origin: germline.
Comment: This variant is not present in population databases (gnomAD no frequency). For these reasons, this variant has been classified as Pathogenic. Algorithms developed to predict the effect of sequence changes on RNA splicing suggest that this variant may disrupt the consensus splice site. Disruption of this splice site has been observed in individual(s) with clinical features of neurofibromatosis type 2 (PMID: 15684865; Invitae). In at least one individual the variant was observed to be de novo. This sequence change affects an acceptor splice site in intron 2 of the NF2 gene. It is expected to disrupt RNA splicing. Variants that disrupt the donor or acceptor splice site typically lead to a loss of protein function (PMID: 16199547), and loss-of-function variants in NF2 are known to be pathogenic (PMID: 9643284, 16983642).

Dr. Peter K. Rogan Lab, Western University
No classification provided (evidence only). Condition: Mesothelioma. Review status: no classification provided. Collection method: in vitro. Allele origin: not applicable. Functional consequence: skipped exon. Not counted in ClinVar's aggregate classification.

Literature cited by the submitters: PubMed 15684865 (cited by Labcorp Genetics (formerly Invitae), Labcorp); PubMed 16199547 (cited by Labcorp Genetics (formerly Invitae), Labcorp); PubMed 9643284 (cited by Labcorp Genetics (formerly Invitae), Labcorp); PubMed 16983642 (cited by Labcorp Genetics (formerly Invitae), Labcorp).

NM_000268.4(NF2):c.241-1G>A

Gene: NF2 (NF2, moesin-ezrin-radixin like (MERLIN) tumor suppressor; plus strand). Cytogenetic location: 22q12.2.
Variant type: single nucleotide variant.
Coding change: c.241-1G>A on transcript NM_000268.4 (MANE Select); the canonical splice acceptor site of the intron before coding-DNA position 241, G replaced by A.
Molecular consequence: splice acceptor variant. On other transcripts: intron variant (8).
Genome position (GRCh38, 1-based): chr22:29,639,089, G>A. VCF-style: chr22-29639089-G-A. GRCh37 (hg19) VCF-style: chr22-30035078-G-A.
Other names: c.241-1G>A (NM_016418.5, NM_181832.3, NM_001407060.1 and 5 more transcripts); c.127-1G>A (NM_001407056.1, NM_001407053.1); c.10-1G>A (NM_001407067.1); c.-400-1G>A (NM_001407065.1); c.240+2213G>A (NM_001407058.1, NM_181829.3, NM_001407054.1 and 1 more transcripts); c.115-1G>A (NM_181828.3, NM_001407055.1); c.115-3113G>A (NM_001407063.1, NM_181830.3, NM_001407064.1 and 1 more transcripts).
Identifiers: ClinVar variation 2029301 (VCV002029301.5), dbSNP rs2146869444, ClinGen allele CA411152942.